The following is an entry in ClinVar:

NM_001524.1(HCRT):c.203A>G (p.Lys68Arg)

Gene: HCRT (hypocretin neuropeptide precursor; minus strand). Cytogenetic location: 17q21.2.
Variant type: single nucleotide variant.
Coding change: c.203A>G on transcript NM_001524.1 (MANE Select); coding-DNA position 203, A replaced by G.
Protein change: p.Lys68Arg; replaces lysine 68 with arginine.
Molecular consequence: missense variant.
Genome position (GRCh38, 1-based): chr17:42,184,347, T>C on the plus strand (A>G on the coding strand, the complement: HCRT is on the minus strand). VCF-style: chr17-42184347-T-C. GRCh37 (hg19) VCF-style: chr17-40336365-T-C.
Other names: short protein forms K68R.
Identifiers: ClinVar variation 3051921 (VCV003051921.2), dbSNP rs537376938, ClinGen allele CA8573243.
Genomic context (GRCh38, chr17:42,184,347, plus strand): 5'-CCGCTGGCCTGCAGGAGGCGCTGCAGCCGACCCTGGAGGCCCGGGGGCCCGGACCTCCGC[T>C]TGCCCAGCGTGAGGATGCCGGCCGCGTGATTGCCCGCGCCGTGCAGCAGCTCGTAGAGGC-3'
Protein context (NP_001515.1, residues 58-78): NHAAGILTLG[Lys68Arg]RRSGPPGLQG

ClinVar aggregate classification (germline): Likely benign (0 of 4 stars; one submission).

Conditions:
HCRT-related disorder. Also called: HCRT-related condition.

Allele frequency attached by ClinVar (database versions not stated): gnomAD exomes 0.00023; gnomAD 0.00027; 1000 Genomes Project 0.00040; TOPMed 0.00040; 1000 Genomes Project 30x 0.00047; ExAC 0.00177.
gnomAD v4.1: 372 of 1,581,156 alleles (0.024%); highest among the groups gnomAD compares: East Asian, 0.67%; 1 homozygote.

Submission:

PreventionGenetics, part of Exact Sciences
Classification: Likely benign for HCRT-related condition. Last evaluated: 2019-04-09. Review status: no assertion criteria provided. Collection method: clinical testing. Allele origin: germline.
Comment: This variant is classified as likely benign based on ACMG/AMP sequence variant interpretation guidelines (Richards et al. 2015 PMID: 25741868, with internal and published modifications).